The following is an entry in ClinVar:

NM_001394062.1(MACF1):c.3604G>A (p.Val1202Met)

Gene: MACF1 (microtubule actin crosslinking factor 1; plus strand). Cytogenetic location: 1p34.3.
Variant type: single nucleotide variant.
Coding change: c.3604G>A on transcript NM_001394062.1 (MANE Select); coding-DNA position 3604, G replaced by A.
Protein change: p.Val1202Met; replaces valine 1202 with methionine.
Molecular consequence: missense variant.
Genome position (GRCh38, 1-based): chr1:39,317,229, G>A. VCF-style: chr1-39317229-G-A. GRCh37 (hg19) VCF-style: chr1-39782901-G-A.
Other names: c.3619G>A, p.Val1207Met (NM_012090.5); short protein forms V1202M, V1207M.
Identifiers: ClinVar variation 4881793 (VCV004881793.2).

ClinVar aggregate classification (germline): Uncertain significance (1 of 4 stars; one submission).

Conditions:
Lissencephaly 9 with complex brainstem malformation. Identifiers: Orphanet 572013, MedGen C5193029, MONDO:0032677, OMIM 618325.

Submission:

Dasa
Classification: Uncertain significance for Lissencephaly 9 with complex brainstem malformation. Last evaluated: 2025-05-18. Review status: criteria provided, single submitter. Criteria: DASA Assertion Criteria. Collection method: clinical testing. Allele origin: germline.
Comment: NM_001394062.1(MACF1):c.3604G>A (p.Val1202Met) is a missense variant that results in the substitution of valine with methionine. This variant is absent from population databases. Computational prediction algorithms are consistent with a benign effect. The currently available literature and clinical evidence are not sufficient to establish a definitive association between this variant and the reported condition. Therefore, this variant is classified as a variant of uncertain significance.